The following is an entry in ClinVar:

NM_004519.4(KCNQ3):c.60C>T (p.Gly20=)

Gene: KCNQ3 (potassium voltage-gated channel subfamily Q member 3; minus strand). Cytogenetic location: 8q24.22.
Variant type: single nucleotide variant.
Coding change: c.60C>T on transcript NM_004519.4 (MANE Select); coding-DNA position 60, C replaced by T.
Protein change: p.Gly20=; no amino-acid change (glycine 20 retained).
Molecular consequence: synonymous variant.
Genome position (GRCh38, 1-based): chr8:132,480,473, G>A on the plus strand (C>T on the coding strand, the complement: KCNQ3 is on the minus strand). VCF-style: chr8-132480473-G-A. GRCh37 (hg19) VCF-style: chr8-133492720-G-A.
Identifiers: ClinVar variation 3026975 (VCV003026975.22), dbSNP rs2537398867, ClinGen allele CA463072963.
Genomic context (GRCh38, chr8:132,480,473, plus strand): 5'-CTCCTCGTCGCCGGCCGCCGCCGCGTCCCCTCCGGCTGGGTTAGCCGCCCCGCCGCCTCC[G>A]CCGCCCCCGTCGCCGCCGCCGCCAGCCGCCCCCGCCGCCCTGCGCGCCTTGAGCCCCATC-3'
Protein context (NP_004510.1, residues 10-30): GAAGGGGDGG[Gly20=]GGGGAANPAG

ClinVar aggregate classification (germline): Likely benign (1 of 4 stars; one submission).

Allele frequency attached by ClinVar (database versions not stated): gnomAD 0.00001.
gnomAD v4.1: 10 of 1,238,194 alleles (0.00081%); highest among the groups gnomAD compares: South Asian, 0.015%; no homozygotes.

Submission:

CeGaT Center for Human Genetics Tuebingen
Classification: Likely benign. Last evaluated: 2024-01-01. Review status: criteria provided, single submitter. Criteria: CeGaT Center For Human Genetics Tuebingen Variant Classification Criteria Version 2. Collection method: clinical testing. Allele origin: germline. Affected: yes. Observed: 1 variant allele.
Comment: KCNQ3: BP4, BP7